The following is an entry in ClinVar:

NM_000535.7(PMS2):c.1858T>G (p.Phe620Val)

Gene: PMS2 (PMS1 homolog 2, mismatch repair system component; minus strand). Cytogenetic location: 7p22.1.
Variant type: single nucleotide variant.
Coding change: c.1858T>G on transcript NM_000535.7 (MANE Select); coding-DNA position 1858, T replaced by G.
Protein change: p.Phe620Val; replaces phenylalanine 620 with valine.
Molecular consequence: missense variant. On other transcripts: non-coding transcript variant (1), intron variant (1).
Genome position (GRCh38, 1-based): chr7:5,986,907, A>C on the plus strand (T>G on the coding strand, the complement: PMS2 is on the minus strand). VCF-style: chr7-5986907-A-C. GRCh37 (hg19) VCF-style: chr7-6026538-A-C.
Other names: c.1453T>G, p.Phe485Val (NM_001322003.2, NM_001322004.2, NM_001322005.2 and 16 more transcripts); c.1702T>G, p.Phe568Val (NM_001322006.2, NM_001406870.1); c.1540T>G, p.Phe514Val (NM_001322007.2, NM_001322008.2, NM_001406876.1 and 2 more transcripts); c.1297T>G, p.Phe433Val (NM_001322010.2, NM_001406906.1, NM_001406907.1); c.925T>G, p.Phe309Val (NM_001322011.2, NM_001322012.2); c.1285T>G, p.Phe429Val (NM_001322013.2, NM_001406909.1); c.1858T>G, p.Phe620Val (NM_001322014.2, NM_001406871.1, NM_001406872.1); c.1549T>G, p.Phe517Val (NM_001322015.2, NM_001406875.1, NM_001406877.1 and 5 more transcripts); and 13 more; short protein forms F363V, F485V, F517V, F564V, F584V, F628V, F309V, F449V.
Identifiers: ClinVar variation 4740940 (VCV004740940.1).

ClinVar aggregate classification (germline): Uncertain significance (1 of 4 stars; one submission).

Conditions:
Hereditary nonpolyposis colorectal neoplasms. Identifiers: MedGen C0009405, MeSH D003123.

Submission:

Labcorp Genetics (formerly Invitae), Labcorp
Classification: Uncertain significance for Hereditary nonpolyposis colorectal neoplasms. Last evaluated: 2025-10-27. Review status: criteria provided, single submitter. Criteria: Invitae Variant Classification Sherloc (09022015). Collection method: clinical testing. Allele origin: germline.
Comment: This sequence change replaces phenylalanine, which is neutral and non-polar, with valine, which is neutral and non-polar, at codon 620 of the PMS2 protein (p.Phe620Val). This variant is not present in population databases (gnomAD no frequency). This variant has not been reported in the literature in individuals affected with PMS2-related conditions. Invitae Evidence Modeling incorporating data from in vitro experimental studies (internal data) indicates that this missense variant is not expected to disrupt PMS2 function with a negative predictive value of 95%. In summary, the available evidence is currently insufficient to determine the role of this variant in disease. Therefore, it has been classified as a Variant of Uncertain Significance.